The following is an entry in ClinVar:

ClinVar aggregate classification (germline): Uncertain significance. Review status: criteria provided, multiple submitters, no conflicts (2 of 4 stars). 2 submissions from 2 submitters: Uncertain significance (2). Last evaluated 2024-12-15.

Conditions:
Neurodegeneration with brain iron accumulation 5 (NBIA5). Also called: Beta-propeller protein-associated neurodegeneration; STATIC ENCEPHALOPATHY OF CHILDHOOD WITH NEURODEGENERATION IN ADULTHOOD. Identifiers: Orphanet 329284, MedGen C3550973, MONDO:0010476, OMIM 300894.

Submissions (2):

Labcorp Genetics (formerly Invitae), Labcorp
Classification: Uncertain significance for Neurodegeneration with brain iron accumulation 5. Last evaluated: 2024-12-15. Review status: criteria provided, single submitter. Criteria: Invitae Variant Classification Sherloc (09022015). Collection method: clinical testing. Allele origin: germline.
Comment: This sequence change replaces valine, which is neutral and non-polar, with methionine, which is neutral and non-polar, at codon 109 of the WDR45 protein (p.Val109Met). This variant is not present in population databases (gnomAD no frequency). This variant has not been reported in the literature in individuals affected with WDR45-related conditions. ClinVar contains an entry for this variant (Variation ID: 2500633). Invitae Evidence Modeling of protein sequence and biophysical properties (such as structural, functional, and spatial information, amino acid conservation, physicochemical variation, residue mobility, and thermodynamic stability) indicates that this missense variant is not expected to disrupt WDR45 protein function with a negative predictive value of 80%. In summary, the available evidence is currently insufficient to determine the role of this variant in disease. Therefore, it has been classified as a Variant of Uncertain Significance.

GeneDx
Classification: Uncertain significance. Last evaluated: 2022-10-25. Review status: criteria provided, single submitter. Criteria: GeneDx Variant Classification Process June 2021. Collection method: clinical testing. Allele origin: germline. Affected: yes.
Comment: Not observed at significant frequency in large population cohorts (gnomAD); In silico analysis supports that this missense variant has a deleterious effect on protein structure/function; Has not been previously published as pathogenic or benign to our knowledge

NM_001029896.2(WDR45):c.322G>A (p.Val108Met)

Gene: WDR45 (WD repeat domain 45; minus strand). Cytogenetic location: Xp11.23.
Variant type: single nucleotide variant.
Coding change: c.322G>A on transcript NM_001029896.2 (MANE Select); coding-DNA position 322, G replaced by A.
Protein change: p.Val108Met; replaces valine 108 with methionine.
Molecular consequence: missense variant.
Genome position (GRCh38, 1-based): chrX:49,076,664, C>T on the plus strand (G>A on the coding strand, the complement: WDR45 is on the minus strand). VCF-style: chrX-49076664-C-T. GRCh37 (hg19) VCF-style: chrX-48934323-C-T.
Other names: c.325G>A, p.Val109Met (NM_007075.4); short protein forms V108M, V109M.
Identifiers: ClinVar variation 2500633 (VCV002500633.3), dbSNP rs2520264105, ClinGen allele CA412946694.